The following is an entry in ClinVar:

ClinVar aggregate classification (germline): Uncertain significance (1 of 4 stars; one submission).

Conditions:
Congenital disorder of glycosylation, type Ii. Also called: ALG2-CDG; CDG Ii; ALG2-congenital disorder of glycosylation. Identifiers: Orphanet 79326, MedGen C1842836, MONDO:0011933, OMIM 607906.
Congenital myasthenic syndrome 14. Also called: Myasthenic syndrome, congenital, 14, with tubular aggregates. Identifiers: Orphanet 353327, Orphanet 590, MedGen C4015597, MONDO:0014543, OMIM 616228.

gnomAD v4.1: 1 of 1,596,734 alleles (0.000063%); highest among the groups gnomAD compares: Non-Finnish European, 0.000085%; no homozygotes.

Submission:

Labcorp Genetics (formerly Invitae), Labcorp
Classification: Uncertain significance for Congenital disorder of glycosylation, type Ii; Congenital myasthenic syndrome 14. Last evaluated: 2021-08-06. Review status: criteria provided, single submitter. Criteria: Invitae Variant Classification Sherloc (09022015). Collection method: clinical testing. Allele origin: germline.
Comment: Algorithms developed to predict the effect of sequence changes on RNA splicing suggest that this variant may create or strengthen a splice site, but this prediction has not been confirmed by published transcriptional studies. In summary, the available evidence is currently insufficient to determine the role of this variant in disease. Therefore, it has been classified as a Variant of Uncertain Significance. Algorithms developed to predict the effect of missense changes on protein structure and function are either unavailable or do not agree on the potential impact of this missense change (SIFT: "Deleterious"; PolyPhen-2: "Probably Damaging"; Align-GVGD: "Class C15"). This variant has not been reported in the literature in individuals with ALG2-related conditions. This variant is not present in population databases (ExAC no frequency). This sequence change replaces phenylalanine with leucine at codon 60 of the ALG2 protein (p.Phe60Leu). The phenylalanine residue is highly conserved and there is a small physicochemical difference between phenylalanine and leucine.

NM_033087.4(ALG2):c.180C>A (p.Phe60Leu)

Gene: ALG2 (ALG2 alpha-1,3/1,6-mannosyltransferase; minus strand). Cytogenetic location: 9q22.33.
Variant type: single nucleotide variant.
Coding change: c.180C>A on transcript NM_033087.4 (MANE Select); coding-DNA position 180, C replaced by A.
Protein change: p.Phe60Leu; replaces phenylalanine 60 with leucine.
Molecular consequence: missense variant. On other transcripts: non-coding transcript variant (1).
Genome position (GRCh38, 1-based): chr9:99,221,715, G>T on the plus strand (C>A on the coding strand, the complement: ALG2 is on the minus strand). VCF-style: chr9-99221715-G-T. GRCh37 (hg19) VCF-style: chr9-101983997-G-T.
Other names: short protein forms F60L.
Identifiers: ClinVar variation 1498685 (VCV001498685.8), dbSNP rs777441526, ClinGen allele CA196856159.